The following is an entry in ClinVar:

ClinVar aggregate classification (germline): Uncertain significance (1 of 4 stars; one submission).

Conditions:
Nephronophthisis. Also called: Juvenile Nephronophthisis. Identifiers: Orphanet 655, MedGen C0687120, MONDO:0019005, HP:0000090.

Allele frequency attached by ClinVar (database versions not stated): gnomAD 0.00001; TOPMed 0.00001.
gnomAD v4.1: 4 of 1,613,048 alleles (0.00025%); highest among the groups gnomAD compares: African/African-American, 0.0053%; no homozygotes.

Submission:

Labcorp Genetics (formerly Invitae), Labcorp
Classification: Uncertain significance for Nephronophthisis. Last evaluated: 2024-11-11. Review status: criteria provided, single submitter. Criteria: Invitae Variant Classification Sherloc (09022015). Collection method: clinical testing. Allele origin: germline.
Comment: This sequence change replaces histidine, which is basic and polar, with proline, which is neutral and non-polar, at codon 1171 of the NPHP4 protein (p.His1171Pro). This variant is present in population databases (no rsID available, gnomAD 0.01%). This variant has not been reported in the literature in individuals affected with NPHP4-related conditions. ClinVar contains an entry for this variant (Variation ID: 957702). Invitae Evidence Modeling of protein sequence and biophysical properties (such as structural, functional, and spatial information, amino acid conservation, physicochemical variation, residue mobility, and thermodynamic stability) indicates that this missense variant is expected to disrupt NPHP4 protein function with a positive predictive value of 80%. In summary, the available evidence is currently insufficient to determine the role of this variant in disease. Therefore, it has been classified as a Variant of Uncertain Significance.

NM_015102.5(NPHP4):c.3512A>C (p.His1171Pro)

Gene: NPHP4 (nephrocystin 4; minus strand). Cytogenetic location: 1p36.31.
Variant type: single nucleotide variant.
Coding change: c.3512A>C on transcript NM_015102.5 (MANE Select); coding-DNA position 3512, A replaced by C.
Protein change: p.His1171Pro; replaces histidine 1171 with proline.
Molecular consequence: missense variant. On other transcripts: non-coding transcript variant (1).
Genome position (GRCh38, 1-based): chr1:5,867,076, T>G on the plus strand (A>C on the coding strand, the complement: NPHP4 is on the minus strand). VCF-style: chr1-5867076-T-G. GRCh37 (hg19) VCF-style: chr1-5927136-T-G.
Other names: c.1973A>C, p.His658Pro (NM_001291593.2); c.1976A>C, p.His659Pro (NM_001291594.2); short protein forms H658P, H659P, H1171P.
Identifiers: ClinVar variation 957702 (VCV000957702.9), dbSNP rs1036719782, ClinGen allele CA17130165.